The following is an entry in ClinVar:

ClinVar aggregate classification (germline): Pathogenic/Likely pathogenic. Review status: criteria provided, multiple submitters, no conflicts (2 of 4 stars). 6 submissions from 6 submitters: Pathogenic (5); Likely pathogenic (1). Last evaluated 2025-05-18.

Conditions:
Hereditary breast ovarian cancer syndrome. Also called: Hereditary breast and ovarian cancer syndrome; Hereditary breast and/or ovarian cancer syndrome; Hereditary breast and ovarian cancer syndrome (HBOC); Breast and ovarian cancer; BRCA1- and BRCA2-Associated Hereditary Breast and Ovarian Cancer; Hereditary breast and ovarian cancer. Identifiers: Orphanet 145, MedGen C0677776, MeSH D061325, MONDO:0003582. Disease mechanism: loss of function.
Familial cancer of breast. Also called: Hereditary breast cancer; hereditary breast carcinoma; BREAST CANCER, FAMILIAL. Identifiers: Orphanet 227535, MedGen C0346153, MONDO:0016419, OMIM 114480. Disease mechanism: loss of function.
Breast and/or ovarian cancer. Identifiers: MedGen CN221562.
Hereditary cancer-predisposing syndrome. Also called: Neoplastic Syndromes, Hereditary; Hereditary Cancer Syndrome; Tumor predisposition; Hereditary neoplastic syndrome. Identifiers: Orphanet 140162, MedGen C0027672, MeSH D009386, MONDO:0015356.

Allele frequency attached by ClinVar (database versions not stated): gnomAD exomes below 0.00001; ExAC 0.00001.

Submissions (6):

Labcorp Genetics (formerly Invitae), Labcorp
Classification: Pathogenic for Familial cancer of breast. Last evaluated: 2025-05-18. Review status: criteria provided, single submitter. Criteria: Invitae Variant Classification Sherloc (09022015). Collection method: clinical testing. Allele origin: germline.
Comment: This sequence change creates a premature translational stop signal (p.Arg318Alafs*2) in the CHEK2 gene. It is expected to result in an absent or disrupted protein product. Loss-of-function variants in CHEK2 are known to be pathogenic (PMID: 21876083, 24713400). This variant is present in population databases (rs749153163, gnomAD 0.0009%). This premature translational stop signal has been observed in individual(s) with breast cancer (PMID: 31360903). ClinVar contains an entry for this variant (Variation ID: 582301). For these reasons, this variant has been classified as Pathogenic.

Women's Health and Genetics/Laboratory Corporation of America, LabCorp
Classification: Pathogenic for Hereditary breast ovarian cancer syndrome. Last evaluated: 2024-09-03. Review status: criteria provided, single submitter. Criteria: LabCorp Variant Classification Summary - May 2015. Collection method: clinical testing. Allele origin: germline.
Comment: Variant summary: CHEK2 c.952delC (p.Arg318AlafsX2) results in a premature termination codon, predicted to cause a truncation of the encoded protein or absence of the protein due to nonsense mediated decay, which are commonly known mechanisms for disease. The variant allele was found at a frequency of 4e-06 in 251482 control chromosomes. c.952delC has been reported in the literature in at-least one individual affected with Hereditary Breast Cancer (example: Mandelker_2019). The following publication has been ascertained in the context of this evaluation (PMID: 31360903). ClinVar contains an entry for this variant (Variation ID: 582301). Based on the evidence outlined above, the variant was classified as pathogenic.

Ambry Genetics
Classification: Pathogenic for Hereditary cancer-predisposing syndrome. Last evaluated: 2024-08-19. Review status: criteria provided, single submitter. Criteria: Ambry Variant Classification Scheme 2023. Collection method: clinical testing. Allele origin: germline.
Comment: The c.952delC pathogenic mutation, located in coding exon 8 of the CHEK2 gene, results from a deletion of one nucleotide at nucleotide position 952, causing a translational frameshift with a predicted alternate stop codon (p.R318Afs*2). This alteration is expected to result in loss of function by premature protein truncation or nonsense-mediated mRNA decay. As such, this alteration is interpreted as a disease-causing mutation.

Quest Diagnostics Nichols Institute San Juan Capistrano
Classification: Pathogenic. Last evaluated: 2023-07-19. Review status: criteria provided, single submitter. Criteria: Quest Diagnostics criteria. Collection method: clinical testing. Allele origin: unknown.
Comment: The CHEK2 c.952del (p.Arg318Alafs*2) variant alters the translational reading frame of the CHEK2 mRNA and causes the premature termination of CHEK2 protein synthesis. This variant has been reported in the published literature in an individual with breast cancer (PMID: 31360903 (2019)). The frequency of this variant in the general population, 0.0000088 (1/113758 chromosomes (Genome Aggregation Database)), is consistent with pathogenicity. Based on the available information, this variant is classified as pathogenic.

Myriad Genetics, Inc.
Classification: Pathogenic for Familial cancer of breast. Last evaluated: 2023-06-27. Review status: criteria provided, single submitter. Criteria: Myriad Autosomal Dominant, Autosomal Recessive and X-Linked Classification Criteria (2023). Collection method: clinical testing. Allele origin: unknown.
Comment: This variant is considered pathogenic. This variant creates a frameshift predicted to result in premature protein truncation.

CHEO Genetics Diagnostic Laboratory, Children's Hospital of Eastern Ontario
Classification: Likely pathogenic for Breast and/or ovarian cancer. Last evaluated: 2020-01-22. Review status: criteria provided, single submitter. Criteria: ACMG Guidelines, 2015. Collection method: clinical testing. Allele origin: germline.

Literature cited by the submitters: PubMed 21876083 (cited by Labcorp Genetics (formerly Invitae), Labcorp and Quest Diagnostics Nichols Institute San Juan Capistrano); PubMed 24713400 (cited by Labcorp Genetics (formerly Invitae), Labcorp and Quest Diagnostics Nichols Institute San Juan Capistrano); PubMed 31360903 (cited by 3 submitters); PubMed 29922827 (cited by Quest Diagnostics Nichols Institute San Juan Capistrano).

NM_007194.4(CHEK2):c.952del (p.Arg318fs)

Gene: CHEK2 (checkpoint kinase 2; minus strand). Cytogenetic location: 22q12.1.
Variant type: Deletion.
Coding change: c.952del on transcript NM_007194.4 (MANE Select); coding-DNA position 952, one base deleted (C; older notation c.952delC).
Protein change: p.Arg318fs; shifts the reading frame from arginine 318.
Molecular consequence: frameshift variant.
Genome position (GRCh38, 1-based): chr22:28,699,894, G deleted on the plus strand (C on the coding strand, the reverse complement: CHEK2 is on the minus strand). VCF-style (leftmost placement, unchanged base first): chr22-28699893-CG-C. GRCh37 (hg19) VCF-style: chr22-29095881-CG-C.
Other names: c.952delC (NM_007194.3, NM_007194.4); c.1081delC, p.Arg361Alafs (NM_001005735.3); c.289delC, p.Arg97Alafs (NM_001257387.3); c.751delC, p.Arg251Alafs (NM_001349956.3); c.952delC, p.Arg318Alafs (NM_145862.3); short protein forms R361fs, R97fs, R251fs, R318fs.
Identifiers: ClinVar variation 582301 (VCV000582301.18), dbSNP rs749153163, ClinGen allele CA10167773.